The following is an entry in ClinVar:

NM_007294.4(BRCA1):c.869T>C (p.Leu290Ser)

Gene: BRCA1 (BRCA1 DNA repair associated; minus strand). Cytogenetic location: 17q21.31.
Variant type: single nucleotide variant.
Coding change: c.869T>C on transcript NM_007294.4 (MANE Select); coding-DNA position 869, T replaced by C.
Protein change: p.Leu290Ser; replaces leucine 290 with serine.
Molecular consequence: missense variant. On other transcripts: intron variant (137), 5 prime UTR variant (2).
Genome position (GRCh38, 1-based): chr17:43,094,662, A>G on the plus strand (T>C on the coding strand, the complement: BRCA1 is on the minus strand). VCF-style: chr17-43094662-A-G. GRCh37 (hg19) VCF-style: chr17-41246679-A-G.
Other names: c.661+82T>C (NM_001408448.1, NM_001408445.1, NM_001408432.1 and 6 more transcripts); c.869T>C, p.Leu290Ser (NM_001407602.1, NM_001407603.1, NM_001407605.1 and 30 more transcripts); c.866T>C, p.Leu289Ser (NM_001407627.1, NM_001407628.1, NM_001407629.1 and 22 more transcripts); c.667+1184T>C (NM_001408421.1, NM_001408431.1, NM_001408424.1); c.646+82T>C (NM_001408460.1, NM_001408454.1, NM_001408452.1 and 11 more transcripts); c.706+82T>C (NM_001408413.1, NM_001408416.1); c.664+82T>C (NM_001408427.1, NM_001408443.1, NM_001408439.1 and 12 more transcripts); c.523+82T>C (NM_001408496.1, NM_001408497.1, NM_001408499.1 and 3 more transcripts); and 40 more; short protein forms L290S, L243S, L162S, L179S, L202S, L220S, L248S, L122S.
Identifiers: ClinVar variation 572126 (VCV000572126.12), dbSNP rs730881468, ClinGen allele CA10600339.

ClinVar aggregate classification (germline): Conflicting classifications of pathogenicity. Review status: criteria provided, conflicting classifications (1 of 4 stars). 2 submissions from 2 submitters: Uncertain significance (1); Likely benign (1). Last evaluated 2023-03-23.

Conditions:
Hereditary cancer-predisposing syndrome. Also called: Hereditary neoplastic syndrome; Tumor predisposition; Neoplastic Syndromes, Hereditary; Hereditary Cancer Syndrome. Identifiers: Orphanet 140162, MedGen C0027672, MeSH D009386, MONDO:0015356.
Hereditary breast ovarian cancer syndrome. Also called: Hereditary breast and ovarian cancer syndrome; Breast and ovarian cancer; Hereditary breast and ovarian cancer; Hereditary breast and/or ovarian cancer syndrome; Hereditary breast and ovarian cancer syndrome (HBOC); BRCA1- and BRCA2-Associated Hereditary Breast and Ovarian Cancer. Identifiers: Orphanet 145, MedGen C0677776, MeSH D061325, MONDO:0003582. Disease mechanism: loss of function.

Submissions (2):

University of Washington Department of Laboratory Medicine, University of Washington
Classification: Likely benign for Hereditary cancer-predisposing syndrome. Last evaluated: 2023-03-23. Review status: criteria provided, single submitter. Criteria: Dines et al. (Genet Med. 2020). Collection method: curation. Allele origin: germline.
Comment: Missense variant in a coldspot region where missense variants are very unlikely to be pathogenic (PMID:31911673).

BRCA1 coldspot (exon 11 using historical exon numbering). Reclassification based on statistical prior probability

Labcorp Genetics (formerly Invitae), Labcorp
Classification: Uncertain significance for Hereditary breast ovarian cancer syndrome. Last evaluated: 2018-01-14. Review status: criteria provided, single submitter. Criteria: Invitae Variant Classification Sherloc (09022015). Collection method: clinical testing. Allele origin: germline.
Comment: This sequence change replaces leucine with serine at codon 290 of the BRCA1 protein (p.Leu290Ser). The leucine residue is moderately conserved and there is a large physicochemical difference between leucine and serine. This variant is not present in population databases (ExAC no frequency). This variant has not been reported in the literature in individuals with BRCA1-related disease. Algorithms developed to predict the effect of missense changes on protein structure and function do not agree on the potential impact of this missense change (SIFT: "Tolerated"; PolyPhen-2: "Probably Damaging"; Align-GVGD: "Class C0"). In summary, the available evidence is currently insufficient to determine the role of this variant in disease. Therefore, it has been classified as a Variant of Uncertain Significance.